The following is an entry in ClinVar:

ClinVar aggregate classification (germline): Conflicting classifications of pathogenicity. Review status: criteria provided, conflicting classifications (1 of 4 stars). 8 submissions from 8 submitters: Uncertain significance (1); Benign (1); Likely benign (4). 2 of the submissions do not count toward it. Last evaluated 2026-01-20.

Conditions:
RYR2-related disorder. Also called: RYR2-related condition.
Cardiovascular phenotype. Identifiers: MedGen CN230736.
Cardiomyopathy (CMYO). Also called: Cardiomyopathies. Identifiers: Orphanet 167848, MedGen C0878544, MONDO:0004994, HP:0001638. Inheritance: Various modes of inheritance.
Catecholaminergic polymorphic ventricular tachycardia 1. Also called: VENTRICULAR TACHYCARDIA, CATECHOLAMINERGIC POLYMORPHIC, 1, WITH OR WITHOUT ATRIAL DYSFUNCTION AND/OR DILATED CARDIOMYOPATHY; RYR2-Related Catecholaminergic Polymorphic Ventricular Tachycardia; VENTRICULAR TACHYCARDIA, STRESS-INDUCED POLYMORPHIC 1. Identifiers: Orphanet 3286, MedGen C1631597, MONDO:0011484, OMIM 604772.
Dilated cardiomyopathy with left ventricular noncompaction. Identifiers: MedGen C1853863, MeSH C565277.

Allele frequency attached by ClinVar (database versions not stated): TOPMed 0.00045; gnomAD 0.00047 and 0.00044; 1000 Genomes Project 30x 0.00078; 1000 Genomes Project 0.00080; gnomAD exomes 0.00003 and 0.00009; ExAC 0.00018; ESP Exome Variant Server 0.00034.
gnomAD v4.1: 117 of 1,571,196 alleles (0.0074%); highest among the groups gnomAD compares: African/African-American, 0.15%; no homozygotes.

Submissions (8):

Labcorp Genetics (formerly Invitae), Labcorp
Classification: Likely benign for Catecholaminergic polymorphic ventricular tachycardia 1. Last evaluated: 2026-01-20. Review status: criteria provided, single submitter. Criteria: Invitae Variant Classification Sherloc (09022015). Collection method: clinical testing. Allele origin: germline.

Women's Health and Genetics/Laboratory Corporation of America, LabCorp
Classification: Benign. Last evaluated: 2023-05-08. Review status: criteria provided, single submitter. Criteria: LabCorp Variant Classification Summary - May 2015. Collection method: clinical testing. Allele origin: germline.

GeneDx
Classification: Uncertain significance. Last evaluated: 2021-10-21. Review status: criteria provided, single submitter. Criteria: GeneDx Variant Classification Process June 2021. Collection method: clinical testing. Allele origin: germline. Affected: yes.
Comment: Has not been previously published as pathogenic or benign to our knowledge; In-silico analysis is inconclusive as to whether the variant alters gene splicing. In the absence of RNA/functional studies, the actual effect of this sequence change is unknown.; Reported in ClinVar (ClinVar Variant ID# 43829; Landrum et al., 2016); This variant is associated with the following publications: (PMID: 32746448)

Laboratory for Molecular Medicine, Mass General Brigham Personalized Medicine
Classification: Likely benign. Last evaluated: 2019-09-24. Review status: criteria provided, single submitter. Criteria: LMM Criteria. Collection method: clinical testing. Allele origin: germline. Observed: 1 variant allele.
Comment: The c.8209-3G>A variant in RYR2 is classified as likely benign because it has been identified in 0.15% (34/21760) of African chromosomes by gnomAD. This variant is located in the 3' splice region. Although a subset of computational tools predict a possible splicing impact, this information is not predictive enough to support pathogenicity in the absence of additional data. ACMG/AMP Criteria applied: BA1, PP3.

Color Diagnostics, LLC DBA Color Health
Classification: Likely benign for Cardiomyopathy. Last evaluated: 2019-09-23. Review status: criteria provided, single submitter. Criteria: ACMG Guidelines, 2015. Collection method: clinical testing. Allele origin: germline.

Ambry Genetics
Classification: Likely benign for Cardiovascular phenotype. Last evaluated: 2019-04-03. Review status: criteria provided, single submitter. Criteria: Ambry Variant Classification Scheme 2023. Collection method: clinical testing. Allele origin: germline.

PreventionGenetics, part of Exact Sciences
Classification: Likely benign for RYR2-related condition. Last evaluated: 2022-07-08. Review status: no assertion criteria provided. Collection method: clinical testing. Allele origin: germline. Not counted in ClinVar's aggregate classification.
Comment: This variant is classified as likely benign based on ACMG/AMP sequence variant interpretation guidelines (Richards et al. 2015 PMID: 25741868, with internal and published modifications).

Clinical Molecular Genetics Laboratory, Johns Hopkins All Children's Hospital
Classification: Uncertain significance for Dilated cardiomyopathy with left ventricular noncompaction. Last evaluated: 2015-10-01. Review status: no assertion criteria provided. Collection method: clinical testing. Allele origin: germline. Affected: yes. Not counted in ClinVar's aggregate classification.

NM_001035.3(RYR2):c.8209-3A>G

Gene: RYR2 (ryanodine receptor 2; plus strand). Cytogenetic location: 1q43.
Variant type: single nucleotide variant.
Coding change: c.8209-3A>G on transcript NM_001035.3 (MANE Select); 3 bases into the intron before coding-DNA position 8209, A replaced by G.
Molecular consequence: intron variant.
Genome position (GRCh38, 1-based): chr1:237,659,982, A>G. VCF-style: chr1-237659982-A-G. GRCh37 (hg19) VCF-style: chr1-237823282-A-G.
Identifiers: ClinVar variation 43829 (VCV000043829.31), dbSNP rs376788358, ClinGen allele CA010885.